The following is an entry in ClinVar:

ClinVar aggregate classification (germline): Benign/Likely benign. Review status: criteria provided, multiple submitters, no conflicts (2 of 4 stars). 2 submissions from 2 submitters: Benign (1); Likely benign (1). Last evaluated 2021-05-19.

Conditions:
Autosomal recessive ataxia due to ubiquinone deficiency. Also called: SPINOCEREBELLAR ATAXIA, AUTOSOMAL RECESSIVE 9; Coenzyme Q10 deficiency, primary, 4. Identifiers: Orphanet 139485, MedGen C2677589, MONDO:0012784, OMIM 612016.

Allele frequency attached by ClinVar (database versions not stated): gnomAD 0.00855 and 0.00928; TOPMed 0.01036; 1000 Genomes Project 30x 0.01968; 1000 Genomes Project 0.02077.

Submissions (2):

GeneDx
Classification: Likely benign. Last evaluated: 2021-05-19. Review status: criteria provided, single submitter. Criteria: GeneDx Variant Classification Process June 2021. Collection method: clinical testing. Allele origin: germline. Affected: yes.

Illumina Laboratory Services, Illumina
Classification: Benign for Autosomal recessive ataxia due to ubiquinone deficiency. Last evaluated: 2018-01-12. Review status: criteria provided, single submitter. Criteria: ICSL Variant Classification Criteria 13 December 2019. Collection method: clinical testing. Allele origin: germline.
Comment: This variant was observed in the ICSL laboratory as part of a predisposition screen in an ostensibly healthy population. It had not been previously curated by ICSL or reported in the Human Gene Mutation Database (HGMD: prior to June 1st, 2018), and was therefore a candidate for classification through an automated scoring system. Utilizing variant allele frequency, disease prevalence and penetrance estimates, and inheritance mode, an automated score was calculated to assess if this variant is too frequent to cause the disease. Based on the score and internal cut-off values, a variant classified as benign is not then subjected to further curation. The score for this variant resulted in a classification of benign for this disease.

NM_020247.5(COQ8A):c.*790A>G

Gene: COQ8A (coenzyme Q8A; plus strand). Cytogenetic location: 1q42.13.
Variant type: single nucleotide variant.
Coding change: c.*790A>G on transcript NM_020247.5 (MANE Select); 790 bases downstream of the stop codon, A replaced by G.
Molecular consequence: 3 prime UTR variant.
Genome position (GRCh38, 1-based): chr1:226,987,527, A>G. VCF-style: chr1-226987527-A-G. GRCh37 (hg19) VCF-style: chr1-227175228-A-G.
Identifiers: ClinVar variation 296049 (VCV000296049.7), dbSNP rs12565212, ClinGen allele CA10609265.